The following is an entry in ClinVar:

ClinVar aggregate classification (germline): Benign/Likely benign. Review status: criteria provided, multiple submitters, no conflicts (2 of 4 stars). 6 submissions from 6 submitters: Benign (4); Likely benign (2). Last evaluated 2026-01-01.

Conditions:
Adams-Oliver syndrome 1 (AOS1). Also called: APLASIA CUTIS CONGENITA WITH TERMINAL TRANSVERSE LIMB DEFECTS; CONGENITAL SCALP DEFECTS WITH DISTAL LIMB REDUCTION ANOMALIES; ABSENCE DEFECT OF LIMBS, SCALP, AND SKULL. Identifiers: Orphanet 974, MedGen C4551482, MONDO:0024506, OMIM 100300.

Allele frequency attached by ClinVar (database versions not stated): 1000 Genomes Project 0.00040; 1000 Genomes Project 30x 0.00047; TOPMed 0.00099; gnomAD exomes 0.00102 and 0.00105; ExAC 0.00107; gnomAD 0.00109 and 0.00113; ESP Exome Variant Server 0.00169.
gnomAD v4.1: 1,714 of 1,614,146 alleles (0.11%); highest among the groups gnomAD compares: Non-Finnish European, 0.11%; 2 homozygotes.

Submissions (6):

CeGaT Center for Human Genetics Tuebingen
Classification: Likely benign. Last evaluated: 2026-01-01. Review status: criteria provided, single submitter. Criteria: CeGaT Center For Human Genetics Tuebingen Variant Classification Criteria Version 2. Collection method: clinical testing. Allele origin: germline. Affected: yes. Observed: 6 variant alleles.
Comment: ARHGAP31: BP4, BP7

Labcorp Genetics (formerly Invitae), Labcorp
Classification: Benign. Last evaluated: 2025-12-29. Review status: criteria provided, single submitter. Criteria: Invitae Variant Classification Sherloc (09022015). Collection method: clinical testing. Allele origin: germline.

Blueprint Genetics
Classification: Likely benign. Last evaluated: 2024-11-21. Review status: criteria provided, single submitter. Criteria: ACMG Guidelines, 2015. Collection method: clinical testing. Allele origin: germline.

Genome-Nilou Lab
Classification: Benign for Adams-Oliver syndrome 1. Last evaluated: 2021-12-05. Review status: criteria provided, single submitter. Criteria: ACMG Guidelines, 2015. Collection method: clinical testing. Allele origin: germline. Affected: no.

Eurofins Ntd Llc (ga)
Classification: Benign. Last evaluated: 2015-10-26. Review status: criteria provided, single submitter. Criteria: EGL Classification Definitions 2015. Collection method: clinical testing. Allele origin: germline. Observed: 1 variant allele, 1 heterozygote.

Breakthrough Genomics
Classification: Benign. Review status: criteria provided, single submitter. Criteria: ACMG Guidelines, 2015. Collection method: not provided. Allele origin: germline. Inheritance: Autosomal dominant inheritance. Affected: yes.

NM_020754.4(ARHGAP31):c.936T>C (p.Arg312=)

Gene: ARHGAP31 (Rho GTPase activating protein 31; plus strand). Cytogenetic location: 3q13.33.
Variant type: single nucleotide variant.
Coding change: c.936T>C on transcript NM_020754.4 (MANE Select); coding-DNA position 936, T replaced by C.
Protein change: p.Arg312=; no amino-acid change (arginine 312 retained).
Molecular consequence: synonymous variant.
Genome position (GRCh38, 1-based): chr3:119,393,521, T>C. VCF-style: chr3-119393521-T-C. GRCh37 (hg19) VCF-style: chr3-119112368-T-C.
Identifiers: ClinVar variation 283840 (VCV000283840.44), dbSNP rs200813566, ClinGen allele CA2553727.